The following is an entry in ClinVar:

NM_000321.3(RB1):c.2073G>A (p.Glu691=)

Gene: RB1 (RB transcriptional corepressor 1; plus strand). Cytogenetic location: 13q14.2.
Variant type: single nucleotide variant.
Coding change: c.2073G>A on transcript NM_000321.3 (MANE Select); coding-DNA position 2073, G replaced by A.
Protein change: p.Glu691=; no amino-acid change (glutamic acid 691 retained).
Molecular consequence: synonymous variant.
Genome position (GRCh38, 1-based): chr13:48,459,800, G>A. VCF-style: chr13-48459800-G-A. GRCh37 (hg19) VCF-style: chr13-49033936-G-A.
Other names: c.2073G>A, p.Glu691= (NM_001407165.1).
Identifiers: ClinVar variation 3073381 (VCV003073381.2), dbSNP rs2138336364, ClinGen allele CA483559040.

ClinVar aggregate classification (germline): Likely benign. Review status: criteria provided, multiple submitters, no conflicts (2 of 4 stars). 2 submissions from 2 submitters: Likely benign (2). Last evaluated 2024-08-12.

Conditions:
Retinoblastoma (RB1). Also called: RETINOBLASTOMA, SOMATIC. Identifiers: Orphanet 790, MedGen C0035335, MeSH D012175, MONDO:0008380, OMIM 180200, HP:0009919. Disease mechanism: loss of function. Inheritance: Both sporadic and heritable forms are tested..
Hereditary cancer-predisposing syndrome. Also called: Hereditary neoplastic syndrome; Hereditary Cancer Syndrome; Neoplastic Syndromes, Hereditary; Tumor predisposition. Identifiers: Orphanet 140162, MedGen C0027672, MeSH D009386, MONDO:0015356.

Submissions (2):

Ambry Genetics
Classification: Likely benign for Hereditary cancer-predisposing syndrome. Last evaluated: 2024-08-12. Review status: criteria provided, single submitter. Criteria: Ambry Variant Classification Scheme 2023. Collection method: clinical testing. Allele origin: germline.

All of Us Research Program, National Institutes of Health
Classification: Likely benign for Retinoblastoma. Last evaluated: 2023-09-17. Review status: criteria provided, single submitter. Criteria: ACMG Guidelines, 2015. Collection method: clinical testing. Allele origin: germline. Inheritance: Autosomal dominant inheritance. Observed: 1 variant allele, 1 heterozygote.
Comment: This study involves interpretation of variants in research participants for the purpose of population health screening. Participant phenotype was not available at the time of variant classification. Additional details can be found in publication PMID: 35346344, PMCID: PMC8962531